The following is an entry in ClinVar:

ClinVar aggregate classification (germline): Conflicting classifications of pathogenicity. Review status: criteria provided, conflicting classifications (1 of 4 stars). 5 submissions from 5 submitters: Uncertain significance (2); Likely benign (2). 1 of the submissions does not count toward it. Last evaluated 2025-07-09.

Conditions:
PGM1-related disorder. Also called: PGM1-related disorders; PGM1-related condition.
PGM1-congenital disorder of glycosylation. Also called: Congenital disorder of glycosylation type 1t; PHOSPHOGLUCOMUTASE 1 DEFICIENCY; PGM1 DEFICIENCY; GLYCOGEN STORAGE DISEASE XIV; GSD XIV; CDG It. Identifiers: Orphanet 319646, MedGen C2752015, MONDO:0013968, OMIM 614921.

Allele frequency attached by ClinVar (database versions not stated): gnomAD 0.00010 and 0.00013; TOPMed 0.00020; gnomAD exomes 0.00033; ExAC 0.00035; 1000 Genomes Project 30x 0.00062; 1000 Genomes Project 0.00080.
gnomAD v4.1: 253 of 1,614,030 alleles (0.016%); highest among the groups gnomAD compares: East Asian, 0.18%; no homozygotes.

Submissions (5):

Labcorp Genetics (formerly Invitae), Labcorp
Classification: Likely benign for PGM1-congenital disorder of glycosylation. Last evaluated: 2025-07-09. Review status: criteria provided, single submitter. Criteria: Invitae Variant Classification Sherloc (09022015). Collection method: clinical testing. Allele origin: germline.

Mayo Clinic Laboratories, Mayo Clinic
Classification: Likely benign. Last evaluated: 2025-05-14. Review status: criteria provided, single submitter. Criteria: ACMG Guidelines, 2015. Collection method: clinical testing. Allele origin: germline. Observed: 3 variant alleles.
Comment: BS1, BP4_moderate

Blueprint Genetics
Classification: Uncertain significance. Last evaluated: 2024-11-25. Review status: criteria provided, single submitter. Criteria: ACMG Guidelines, 2015. Collection method: clinical testing. Allele origin: germline.

Genomic Diagnostic Laboratory, Division of Genomic Diagnostics, Children's Hospital of Philadelphia
Classification: Uncertain significance. Last evaluated: 2015-11-16. Review status: criteria provided, single submitter. Criteria: DGD Variant Analysis Guidelines. Collection method: clinical testing. Allele origin: unknown.

PreventionGenetics, part of Exact Sciences
Classification: Likely benign for PGM1-related condition. Last evaluated: 2023-07-20. Review status: no assertion criteria provided. Collection method: clinical testing. Allele origin: germline. Not counted in ClinVar's aggregate classification.
Comment: This variant is classified as likely benign based on ACMG/AMP sequence variant interpretation guidelines (Richards et al. 2015 PMID: 25741868, with internal and published modifications).

NM_002633.3(PGM1):c.1107C>A (p.Ser369Arg)

Gene: PGM1 (phosphoglucomutase 1; plus strand). Cytogenetic location: 1p31.3.
Variant type: single nucleotide variant.
Coding change: c.1107C>A on transcript NM_002633.3 (MANE Select); coding-DNA position 1107, C replaced by A.
Protein change: p.Ser369Arg; replaces serine 369 with arginine.
Molecular consequence: missense variant.
Genome position (GRCh38, 1-based): chr1:63,638,763, C>A. VCF-style: chr1-63638763-C-A. GRCh37 (hg19) VCF-style: chr1-64104434-C-A.
Other names: p.Ser369Arg; c.1161C>A, p.Ser387Arg (NM_001172818.1); c.516C>A, p.Ser172Arg (NM_001172819.2); short protein forms S369R, S387R, S172R.
Identifiers: ClinVar variation 252555 (VCV000252555.22), dbSNP rs200407907, ClinGen allele CA889720.